The following is an entry in ClinVar:

NM_015450.3(POT1):c.554A>T (p.Asp185Val)

Gene: POT1 (protection of telomeres 1; minus strand). Cytogenetic location: 7q31.33.
Variant type: single nucleotide variant.
Coding change: c.554A>T on transcript NM_015450.3 (MANE Select); coding-DNA position 554, A replaced by T.
Protein change: p.Asp185Val; replaces aspartic acid 185 with valine.
Molecular consequence: missense variant. On other transcripts: non-coding transcript variant (3).
Genome position (GRCh38, 1-based): chr7:124,859,105, T>A on the plus strand (A>T on the coding strand, the complement: POT1 is on the minus strand). VCF-style: chr7-124859105-T-A. GRCh37 (hg19) VCF-style: chr7-124499159-T-A.
Other names: c.161A>T, p.Asp54Val (NM_001042594.2); c.554A>T (NM_015450.2); short protein forms D54V, D185V.
Identifiers: ClinVar variation 3652615 (VCV003652615.3).

ClinVar aggregate classification (germline): Uncertain significance. Review status: criteria provided, multiple submitters, no conflicts (2 of 4 stars). 2 submissions from 2 submitters: Uncertain significance (2). Last evaluated 2025-05-05.

Conditions:
Hereditary cancer-predisposing syndrome. Also called: Neoplastic Syndromes, Hereditary; Tumor predisposition; Hereditary Cancer Syndrome; Hereditary neoplastic syndrome. Identifiers: Orphanet 140162, MedGen C0027672, MeSH D009386, MONDO:0015356.
Tumor predisposition syndrome 3 (TPDS3). Also called: Melanoma, cutaneous malignant, susceptibility to, 10; Glioma susceptibility 9; LONG TELOMERE SYNDROME, POT1-RELATED; POT1 Tumor Predisposition. Identifiers: Orphanet 618, MedGen C4014476, MONDO:0014368, OMIM 615848.

Submissions (2):

Ambry Genetics
Classification: Uncertain significance for Hereditary cancer-predisposing syndrome. Last evaluated: 2025-05-05. Review status: criteria provided, single submitter. Criteria: Ambry Variant Classification Scheme 2023. Collection method: clinical testing. Allele origin: germline.
Comment: The p.D185V variant (also known as c.554A>T), located in coding exon 5 of the POT1 gene, results from an A to T substitution at nucleotide position 554. The aspartic acid at codon 185 is replaced by valine, an amino acid with highly dissimilar properties. This amino acid position is conserved. In addition, this alteration is predicted to be deleterious by in silico analysis. Based on the available evidence, the clinical significance of this variant remains unclear.

Labcorp Genetics (formerly Invitae), Labcorp
Classification: Uncertain significance for Tumor predisposition syndrome 3. Last evaluated: 2024-05-08. Review status: criteria provided, single submitter. Criteria: Invitae Variant Classification Sherloc (09022015). Collection method: clinical testing. Allele origin: germline.
Comment: This sequence change replaces aspartic acid, which is acidic and polar, with valine, which is neutral and non-polar, at codon 185 of the POT1 protein (p.Asp185Val). This variant is not present in population databases (gnomAD no frequency). This variant has not been reported in the literature in individuals affected with POT1-related conditions. Advanced modeling of protein sequence and biophysical properties (such as structural, functional, and spatial information, amino acid conservation, physicochemical variation, residue mobility, and thermodynamic stability) performed at Invitae indicates that this missense variant is not expected to disrupt POT1 protein function with a negative predictive value of 80%. In summary, the available evidence is currently insufficient to determine the role of this variant in disease. Therefore, it has been classified as a Variant of Uncertain Significance.